The following is an entry in ClinVar:

ClinVar aggregate classification (germline): Likely pathogenic (1 of 4 stars; one submission).

Conditions:
Cranioectodermal dysplasia 1 (CED1). Also called: LEVIN SYNDROME I. Identifiers: Orphanet 1515, MedGen C0432235, MONDO:0021093, OMIM 218330.

gnomAD v4.1: 3 of 1,613,810 alleles (0.00019%); highest among the groups gnomAD compares: Non-Finnish European, 0.00025%; no homozygotes.

Submission:

Juno Genomics, Hangzhou Juno Genomics, Inc
Classification: Likely pathogenic for Cranioectodermal dysplasia 1. Review status: criteria provided, single submitter. Criteria: ACMG Guidelines, 2015. Collection method: clinical testing. Allele origin: germline.
Comment: Null variant in a gene where loss of function (LOF) is a known mechanism of disease.;Absent from controls (or at extremely low frequency if recessive) in Genome Aggregation Database.

NM_052989.3(IFT122):c.3370C>T (p.Gln1124Ter)

Gene: IFT122 (intraflagellar transport 122; plus strand). Cytogenetic location: 3q22.1.
Variant type: single nucleotide variant.
Coding change: c.3370C>T on transcript NM_052989.3 (MANE Select); coding-DNA position 3370, C replaced by T.
Protein change: p.Gln1124Ter; replaces glutamine 1124 with a stop codon.
Molecular consequence: nonsense.
Genome position (GRCh38, 1-based): chr3:129,517,573, C>T. VCF-style: chr3-129517573-C-T. GRCh37 (hg19) VCF-style: chr3-129236416-C-T.
Other names: c.3349C>T, p.Gln1117Ter (NM_001280541.2); c.2920C>T, p.Gln974Ter (NM_001280545.2); c.2743C>T, p.Gln915Ter (NM_001280546.2); c.3373C>T, p.Gln1125Ter (NM_001410808.1); c.3316C>T, p.Gln1106Ter (NM_001410809.1); c.3196C>T, p.Gln1066Ter (NM_001410810.1); c.3142C>T, p.Gln1048Ter (NM_001410811.1); c.3139C>T, p.Gln1047Ter (NM_001410813.1); and 10 more; short protein forms Q1054*, Q1065*, Q974*, Q995*, Q1013*, Q1047*, Q1048*, Q1125*.
Identifiers: ClinVar variation 5006535 (VCV005006535.2).